The following is an entry in ClinVar:

ClinVar aggregate classification (germline): Likely benign. Review status: criteria provided, multiple submitters, no conflicts (2 of 4 stars). 2 submissions from 2 submitters: Likely benign (2). Last evaluated 2026-04-22.

Conditions:
DNMT1-related disorder. Also called: DNMT1-related condition. Identifiers: MedGen CN381527.
Hereditary sensory neuropathy-deafness-dementia syndrome. Also called: Hereditary sensory neuropathy type IE; HSN IE; Hereditary Sensory and Autonomic Neuropathy Type 1E (HSAN1E); NEUROPATHY, HEREDITARY SENSORY, WITH HEARING LOSS AND DEMENTIA. Identifiers: Orphanet 456318, MedGen C3279885, MONDO:0013584, OMIM 614116.

Allele frequency attached by ClinVar (database versions not stated): TOPMed below 0.00001; gnomAD 0.00001; gnomAD exomes 0.00001.
gnomAD v4.1: 5 of 1,613,960 alleles (0.00031%); highest among the groups gnomAD compares: Non-Finnish European, 0.00042%; no homozygotes.

Submissions (2):

PreventionGenetics, part of Exact Sciences
Classification: Likely benign for DNMT1-related condition. Last evaluated: 2026-04-22. Review status: criteria provided, single submitter. Criteria: ACMG Guidelines, 2015. Collection method: clinical testing. Allele origin: germline.
Comment: This variant is classified as likely benign based on ACMG/AMP sequence variant interpretation guidelines (Richards et al. 2015 PMID: 25741868, with internal and published modifications).

Labcorp Genetics (formerly Invitae), Labcorp
Classification: Likely benign for Hereditary sensory neuropathy-deafness-dementia syndrome. Last evaluated: 2022-02-02. Review status: criteria provided, single submitter. Criteria: Invitae Variant Classification Sherloc (09022015). Collection method: clinical testing. Allele origin: germline.

NM_001130823.3(DNMT1):c.3516C>T (p.His1172=)

Gene: DNMT1 (DNA methyltransferase 1; minus strand). Cytogenetic location: 19p13.2.
Variant type: single nucleotide variant.
Coding change: c.3516C>T on transcript NM_001130823.3 (MANE Select); coding-DNA position 3516, C replaced by T.
Protein change: p.His1172=; no amino-acid change (histidine 1172 retained).
Molecular consequence: synonymous variant.
Genome position (GRCh38, 1-based): chr19:10,140,788, G>A on the plus strand (C>T on the coding strand, the complement: DNMT1 is on the minus strand). VCF-style: chr19-10140788-G-A. GRCh37 (hg19) VCF-style: chr19-10251464-G-A.
Other names: c.3468C>T, p.His1156= (NM_001318730.2, NM_001379.4); c.3153C>T, p.His1051= (NM_001318731.2); c.3516C>T (NM_001130823.2).
Identifiers: ClinVar variation 2182908 (VCV002182908.5), dbSNP rs2089585987, ClinGen allele CA505381213.